The following is an entry in ClinVar:

NM_014625.4(NPHS2):c.1150T>C (p.Ter384Gln)

Genes: NPHS2 (NPHS2 stomatin family member, podocin; minus strand), AXDND1 (axonemal dynein light chain domain containing 1; plus strand). Cytogenetic location: 1q25.2.
Variant type: single nucleotide variant.
Coding change: c.1150T>C on transcript NM_014625.4 (MANE Select); coding-DNA position 1150, T replaced by C.
Protein change: p.Ter384Gln.
Molecular consequence: stop lost. On other transcripts: intron variant (1).
Genome position (GRCh38, 1-based): chr1:179,551,175, A>G on the plus strand (T>C on the coding strand, the complement: NPHS2 is on the minus strand). VCF-style: chr1-179551175-A-G. GRCh37 (hg19) VCF-style: chr1-179520310-A-G.
Other names: c.946T>C, p.Ter316Gln (NM_001297575.2); c.3032-3337A>G (NM_144696.6).
Identifiers: ClinVar variation 4815730 (VCV004815730.1).
Genomic context (GRCh38, chr1:179,551,175, plus strand): 5'-CAGGCATGTGACTTTTCTATGGCAGGCCCCTTTACAGTCACATTATGCCCCATCCTTCCT[A>G]TAACATGGGAGAGTCTTTCTTTTTAGGATTTAGTGGCTCAACAGGTTTGGAAGGACTTGG-3'

ClinVar aggregate classification (germline): Likely pathogenic (1 of 4 stars; one submission).

Conditions:
Steroid-resistant nephrotic syndrome. Identifiers: MedGen C0403397, MONDO:0044765, HP:0012588.

gnomAD v4.1: 3 of 1,613,848 alleles (0.00019%); highest among the groups gnomAD compares: Non-Finnish European, 0.00025%; no homozygotes.

Submission:

Natera, Inc.
Classification: Likely pathogenic for Steroid-resistant nephrotic syndrome. Last evaluated: 2024-11-06. Review status: criteria provided, single submitter. Criteria: Natera Variant Classification Schema (03/2026). Collection method: clinical testing. Allele origin: germline.
Comment: The c.1150T>C variant in NPHS2 is a stop-loss variant predicted to disrupt the normal termination codon and extend translation beyond the canonical stop site. This variant is rare in the general population with a frequency below the threshold expected for the associated phenotype(s). This variant has been observed in one or more individuals affected with the associated recessive disease, as either homozygous or compound heterozygous with a second variant (PMID: 26668027, 25349199, 29869118). Additionally, this variant has been observed to segregate in affected family members (PMID: 25349199). Given the available evidence, this variant is classified as Likely Pathogenic.

Literature cited by the submitters: PubMed 26668027; PubMed 25349199; PubMed 29869118.